The following is an entry in ClinVar:

ClinVar aggregate classification (germline): Pathogenic (1 of 4 stars; one submission).

Conditions:
Hereditary diffuse gastric adenocarcinoma (HDGC). Also called: DIFFUSE GASTRIC AND LOBULAR BREAST CANCER SYNDROME. Identifiers: Orphanet 26106, MedGen C1708349, MONDO:0007648, OMIM 137215.

Submission:

Labcorp Genetics (formerly Invitae), Labcorp
Classification: Pathogenic for Hereditary diffuse gastric adenocarcinoma. Last evaluated: 2022-11-10. Review status: criteria provided, single submitter. Criteria: Invitae Variant Classification Sherloc (09022015). Collection method: clinical testing. Allele origin: germline.
Comment: For these reasons, this variant has been classified as Pathogenic. This sequence change creates a premature translational stop signal (p.Tyr663*) in the CDH1 gene. It is expected to result in an absent or disrupted protein product. Loss-of-function variants in CDH1 are known to be pathogenic (PMID: 15235021, 20373070). This variant is not present in population databases (gnomAD no frequency). This variant has not been reported in the literature in individuals affected with CDH1-related conditions. Algorithms developed to predict the effect of sequence changes on RNA splicing suggest that this variant may disrupt the consensus splice site.

Literature cited by the submitters: PubMed 15235021; PubMed 20373070.

NM_004360.5(CDH1):c.1984_1987dup (p.Tyr663Ter)

Gene: CDH1 (cadherin 1; plus strand). Cytogenetic location: 16q22.1.
Variant type: Duplication.
Coding change: c.1984_1987dup on transcript NM_004360.5 (MANE Select); coding-DNA positions 1984 to 1987, 4 bases duplicated (GACT; older notation c.1984_1987dupGACT).
Protein change: p.Tyr663Ter; replaces tyrosine 663 with a stop codon.
Molecular consequence: nonsense.
Genome position (GRCh38, 1-based): chr16:68,823,446-68,823,449, GACT duplicated; duplicating any 4 consecutive bases within chr16:68,823,445-68,823,449 gives the same sequence; the c. name uses the placement nearest the transcript's 3' end. VCF-style (leftmost placement, unchanged base first): chr16-68823444-G-GTGAC. GRCh37 (hg19) VCF-style: chr16-68857347-G-GTGAC.
Other names: c.1801_1804dup, p.Tyr602Ter (NM_001317184.2); c.436_439dup, p.Tyr147Ter (NM_001317185.2); c.19_22dup, p.Tyr8Ter (NM_001317186.2); short protein forms Y147*, Y8*, Y602*, Y663*.
Identifiers: ClinVar variation 2813035 (VCV002813035.3), dbSNP rs2543945356, ClinGen allele CA2739266862.